The following is an entry in ClinVar:

NM_001042492.3(NF1):c.425dup (p.Leu142fs)

Gene: NF1 (neurofibromin 1; plus strand). Cytogenetic location: 17q11.2.
Variant type: Duplication.
Coding change: c.425dup on transcript NM_001042492.3 (MANE Select); coding-DNA position 425, one base duplicated (T; older notation c.425dupT).
Protein change: p.Leu142fs; shifts the reading frame from leucine 142.
Molecular consequence: frameshift variant.
Genome position (GRCh38, 1-based): chr17:31,163,322, T duplicated; the last of 4 consecutive T bases (chr17:31,163,319-31,163,322); duplicating any one gives the same sequence. VCF-style (leftmost placement, unchanged base first): chr17-31163318-G-GT. GRCh37 (hg19) VCF-style: chr17-29490336-G-GT.
Other names: c.425dup, p.Leu142Phefs (NM_000267.4); c.425dup, p.Leu142fs (NM_001128147.3); short protein forms L142fs.
Identifiers: ClinVar variation 2853552 (VCV002853552.4), dbSNP rs2544701332, ClinGen allele CA2739267317.

ClinVar aggregate classification (germline): Pathogenic. Review status: criteria provided, multiple submitters, no conflicts (2 of 4 stars). 2 submissions from 2 submitters: Pathogenic (2). Last evaluated 2025-12-30.

Conditions:
Neurofibromatosis, type 1 (NF1). Also called: VON RECKLINGHAUSEN DISEASE; Neurofibromatosis, type I; Peripheral type neurofibromatosis; NEUROFIBROMATOSIS, TYPE I, SOMATIC. Identifiers: Orphanet 636, MedGen C0027831, MONDO:0018975, OMIM 162200. Disease mechanism: loss of function.

Submissions (2):

Department of Human Genetics, Hannover Medical School
Classification: Pathogenic for Neurofibromatosis, type 1. Last evaluated: 2025-12-30. Review status: criteria provided, single submitter. Criteria: ACMG Guidelines, 2015. Collection method: clinical testing. Allele origin: germline. Affected: yes.
Comment: PVS1, PM2_Supporting, PP4_Strong

Labcorp Genetics (formerly Invitae), Labcorp
Classification: Pathogenic for Neurofibromatosis, type 1. Last evaluated: 2023-04-14. Review status: criteria provided, single submitter. Criteria: Invitae Variant Classification Sherloc (09022015). Collection method: clinical testing. Allele origin: germline.
Comment: This variant is not present in population databases (gnomAD no frequency). This sequence change creates a premature translational stop signal (p.Leu142Phefs*14) in the NF1 gene. It is expected to result in an absent or disrupted protein product. Loss-of-function variants in NF1 are known to be pathogenic (PMID: 10712197, 23913538). This variant has not been reported in the literature in individuals affected with NF1-related conditions. For these reasons, this variant has been classified as Pathogenic.

Literature cited by the submitters: PubMed 10712197 (cited by Labcorp Genetics (formerly Invitae), Labcorp); PubMed 23913538 (cited by Labcorp Genetics (formerly Invitae), Labcorp).